The following is an entry in ClinVar:

ClinVar aggregate classification (germline): Uncertain significance. Review status: criteria provided, multiple submitters, no conflicts (2 of 4 stars). 2 submissions from 2 submitters: Uncertain significance (2). Last evaluated 2025-07-03.

Conditions:
Hereditary cancer-predisposing syndrome. Also called: Hereditary Cancer Syndrome; Hereditary neoplastic syndrome; Neoplastic Syndromes, Hereditary; Tumor predisposition. Identifiers: Orphanet 140162, MedGen C0027672, MeSH D009386, MONDO:0015356.
Bloom syndrome (BLM). Also called: Bloom-Torre-Machacek syndrome. Identifiers: Orphanet 125, MedGen C0005859, MONDO:0008876, OMIM 210900.

gnomAD v4.1: 1 of 1,614,170 alleles (0.000062%); highest among the groups gnomAD compares: Admixed American, 0.0017%; no homozygotes.

Submissions (2):

Ambry Genetics
Classification: Uncertain significance for Hereditary cancer-predisposing syndrome. Last evaluated: 2025-07-03. Review status: criteria provided, single submitter. Criteria: Ambry Variant Classification Scheme 2023. Collection method: clinical testing. Allele origin: germline.
Comment: The p.K451R variant (also known as c.1352A>G), located in coding exon 6 of the BLM gene, results from an A to G substitution at nucleotide position 1352. The lysine at codon 451 is replaced by arginine, an amino acid with highly similar properties. This amino acid position is conserved. In addition, this alteration is predicted to be tolerated by in silico analysis. Since supporting evidence is limited at this time, the clinical significance of this alteration remains unclear.

Labcorp Genetics (formerly Invitae), Labcorp
Classification: Uncertain significance for Bloom syndrome. Last evaluated: 2025-01-23. Review status: criteria provided, single submitter. Criteria: Invitae Variant Classification Sherloc (09022015). Collection method: clinical testing. Allele origin: germline.
Comment: This sequence change replaces lysine, which is basic and polar, with arginine, which is basic and polar, at codon 451 of the BLM protein (p.Lys451Arg). This variant is not present in population databases (gnomAD no frequency). This variant has not been reported in the literature in individuals affected with BLM-related conditions. ClinVar contains an entry for this variant (Variation ID: 1770625). Invitae Evidence Modeling of protein sequence and biophysical properties (such as structural, functional, and spatial information, amino acid conservation, physicochemical variation, residue mobility, and thermodynamic stability) indicates that this missense variant is not expected to disrupt BLM protein function with a negative predictive value of 80%. In summary, the available evidence is currently insufficient to determine the role of this variant in disease. Therefore, it has been classified as a Variant of Uncertain Significance.

NM_000057.4(BLM):c.1352A>G (p.Lys451Arg)

Gene: BLM (BLM RecQ like helicase; plus strand). Cytogenetic location: 15q26.1.
Variant type: single nucleotide variant.
Coding change: c.1352A>G on transcript NM_000057.4 (MANE Select); coding-DNA position 1352, A replaced by G.
Protein change: p.Lys451Arg; replaces lysine 451 with arginine.
Molecular consequence: missense variant.
Genome position (GRCh38, 1-based): chr15:90,760,725, A>G. VCF-style: chr15-90760725-A-G. GRCh37 (hg19) VCF-style: chr15-91303955-A-G.
Other names: c.1352A>G, p.Lys451Arg (NM_001287246.2, NM_001287247.2); c.227A>G, p.Lys76Arg (NM_001287248.2); short protein forms K451R, K76R.
Identifiers: ClinVar variation 1770625 (VCV001770625.5), dbSNP rs749051692, ClinGen allele CA393842874.